The following is an entry in ClinVar:

NM_130810.4(DNAAF4):c.635A>G (p.Lys212Arg)

Genes: DNAAF4 (dynein axonemal assembly factor 4; minus strand), DNAAF4-CCPG1 (DNAAF4-CCPG1 readthrough (NMD candidate); minus strand). Cytogenetic location: 15q21.3.
Variant type: single nucleotide variant.
Coding change: c.635A>G on transcript NM_130810.4 (MANE Select); coding-DNA position 635, A replaced by G.
Protein change: p.Lys212Arg; replaces lysine 212 with arginine.
Molecular consequence: missense variant. On other transcripts: non-coding transcript variant (1).
Genome position (GRCh38, 1-based): chr15:55,466,932, T>C on the plus strand (A>G on the coding strand, the complement: DNAAF4 is on the minus strand). VCF-style: chr15-55466932-T-C. GRCh37 (hg19) VCF-style: chr15-55759130-T-C.
Other names: c.635A>G, p.Lys212Arg (NM_001033559.3, NM_001033560.2); short protein forms K212R.
Identifiers: ClinVar variation 1015966 (VCV001015966.8), dbSNP rs760040582, ClinGen allele CA270807641.

ClinVar aggregate classification (germline): Uncertain significance (1 of 4 stars; one submission).

Allele frequency attached by ClinVar (database versions not stated): gnomAD exomes below 0.00001; TOPMed below 0.00001.

Submission:

Labcorp Genetics (formerly Invitae), Labcorp
Classification: Uncertain significance. Last evaluated: 2020-09-13. Review status: criteria provided, single submitter. Criteria: Invitae Variant Classification Sherloc (09022015). Collection method: clinical testing. Allele origin: germline.
Comment: In summary, the available evidence is currently insufficient to determine the role of this variant in disease. Therefore, it has been classified as a Variant of Uncertain Significance. Algorithms developed to predict the effect of missense changes on protein structure and function (SIFT, PolyPhen-2, Align-GVGD) all suggest that this variant is likely to be tolerated, but these predictions have not been confirmed by published functional studies and their clinical significance is uncertain. This variant has not been reported in the literature in individuals with DNAAF4-related conditions. This variant is not present in population databases (ExAC no frequency). This sequence change replaces lysine with arginine at codon 212 of the DNAAF4 protein (p.Lys212Arg). The lysine residue is moderately conserved and there is a small physicochemical difference between lysine and arginine.